The following is an entry in ClinVar:

NM_030665.4(RAI1):c.4711G>C (p.Ala1571Pro)

Gene: RAI1 (retinoic acid induced 1; plus strand). Cytogenetic location: 17p11.2.
Variant type: single nucleotide variant.
Coding change: c.4711G>C on transcript NM_030665.4 (MANE Select); coding-DNA position 4711, G replaced by C.
Protein change: p.Ala1571Pro; replaces alanine 1571 with proline.
Molecular consequence: missense variant.
Genome position (GRCh38, 1-based): chr17:17,797,659, G>C. VCF-style: chr17-17797659-G-C. GRCh37 (hg19) VCF-style: chr17-17700973-G-C.
Other names: short protein forms A1571P.
Identifiers: ClinVar variation 4997906 (VCV004997906.1).
Genomic context (GRCh38, chr17:17,797,659, plus strand): 5'-TCACCCTGTAAGGGGCGTGCCAAGCGACGACGACAGCAGCAGGTGCTGCCCCTGGATCCC[G>C]CAGAGCCTGAAATCCGCCTCAAGTACATTTCCTCTTGCAAGCGGCTGAGGTCAGACAGCC-3'
Protein context (NP_109590.3, residues 1561-1581): RQQQVLPLDP[Ala1571Pro]EPEIRLKYIS

ClinVar aggregate classification (germline): Uncertain significance (1 of 4 stars; one submission).

Conditions:
RAI1-related disorder. Also called: RAI1-related condition.

Submission:

PreventionGenetics, part of Exact Sciences
Classification: Uncertain significance for RAI1-related condition. Last evaluated: 2024-10-11. Review status: criteria provided, single submitter. Criteria: ACMG Guidelines, 2015. Collection method: clinical testing. Allele origin: germline.
Comment: The RAI1 c.4711G>C variant is predicted to result in the amino acid substitution p.Ala1571Pro. To our knowledge, this variant has not been reported in the literature or in a large population database (gnomAD), indicating this variant is rare. At this time, the clinical significance of this variant is uncertain due to the absence of conclusive functional and genetic evidence.